The following is an entry in ClinVar:

NM_001012339.3(DNAJC21):c.645_646del (p.Arg216fs)

Gene: DNAJC21 (DnaJ heat shock protein family (Hsp40) member C21; plus strand). Cytogenetic location: 5p13.2.
Variant type: Deletion.
Coding change: c.645_646del on transcript NM_001012339.3 (MANE Select); coding-DNA positions 645 to 646, 2 bases deleted (AA; older notation c.645_646delAA).
Protein change: p.Arg216fs; shifts the reading frame from arginine 216.
Molecular consequence: frameshift variant.
Genome position (GRCh38, 1-based): chr5:34,937,532-34,937,533, AA deleted; deleting any 2 consecutive bases within chr5:34,937,530-34,937,533 gives the same sequence; the c. name uses the placement nearest the transcript's 3' end. VCF-style (leftmost placement, unchanged base first): chr5-34937529-TAA-T. GRCh37 (hg19) VCF-style: chr5-34937634-TAA-T.
Other names: c.645_646del, p.Arg216fs (NM_001348420.2, NM_194283.4); short protein forms R216fs.
Identifiers: ClinVar variation 3572946 (VCV003572946.2).

ClinVar aggregate classification (germline): Pathogenic. Review status: criteria provided, multiple submitters, no conflicts (2 of 4 stars). 2 submissions from 2 submitters: Pathogenic (2). Last evaluated 2025-03-20.

Conditions:
Shwachman syndrome. Also called: PANCREATIC INSUFFICIENCY AND BONE MARROW DYSFUNCTION; SHWACHMAN-BODIAN SYNDROME; Shwachman-Diamond Syndrome. Identifiers: Orphanet 811, MedGen C0272170, MONDO:0009833.

Submissions (2):

Labcorp Genetics (formerly Invitae), Labcorp
Classification: Pathogenic. Last evaluated: 2025-03-20. Review status: criteria provided, single submitter. Criteria: Invitae Variant Classification Sherloc (09022015). Collection method: clinical testing. Allele origin: germline.
Comment: This sequence change creates a premature translational stop signal (p.Arg216Serfs*69) in the DNAJC21 gene. It is expected to result in an absent or disrupted protein product. Loss-of-function variants in DNAJC21 are known to be pathogenic (PMID: 27346687, 28062395). This variant is not present in population databases (gnomAD no frequency). This variant has not been reported in the literature in individuals affected with DNAJC21-related conditions. ClinVar contains an entry for this variant (Variation ID: 3572946). For these reasons, this variant has been classified as Pathogenic.

Regional Center For Medical Genetics Timis, Louis Turcanu Emergency Hospital for Children Timisoara
Classification: Pathogenic for Shwachman-Diamond Syndrome. Last evaluated: 2025-01-12. Review status: criteria provided, single submitter. Criteria: ACMG Guidelines, 2015. Collection method: clinical testing. Allele origin: germline. Affected: yes. Observed: 1 variant allele.
Comment: This variant has been previously reported in healthy population databases with low frequency (gnomAD v4.1.0, f = 0.000001239). This variant is associated with frameshift, protein truncation/premature transcript degradation and loss of function (LOF). LOF DNAJC21 variants are known to be pathogenic. This variant was detected in trans, alongside another pathogenic variant. Therefore, this variant was classified as pathogenic, according to ACMG and ClinGen classifications. (PM2_Supporting, PVS1, PM3)

Literature cited by the submitters: PubMed 27346687 (cited by Labcorp Genetics (formerly Invitae), Labcorp); PubMed 28062395 (cited by Labcorp Genetics (formerly Invitae), Labcorp).